The following is an entry in ClinVar:

ClinVar aggregate classification (germline): Uncertain significance. Review status: criteria provided, single submitter (1 of 4 stars). 3 submissions from 3 submitters: Uncertain significance (1). 2 of the submissions do not count toward it. Last evaluated 2025-02-11.

Conditions:
Arthrogryposis- oculomotor limitation-electroretinal anomalies syndrome. Also called: ARTHROGRYPOSIS WITH OCULOMOTOR LIMITATION AND ELECTRORETINAL ABNORMALITIES; ARTHROGRYPOSIS, DISTAL, TYPE IIB; ARTHROGRYPOSIS, DISTAL, TYPE 5. Identifiers: Orphanet 1154, MedGen C1862472, MONDO:0007158, OMIM 108145.

Submissions (3):

Institute of Human Genetics, Clinical Exome/Genome Diagnostics Group, University Hospital Bonn
Classification: Uncertain significance for Arthrogryposis- oculomotor limitation-electroretinal anomalies syndrome. Last evaluated: 2025-02-11. Review status: criteria provided, single submitter. Criteria: ACMG Guidelines, 2015. Collection method: clinical testing. Allele origin: germline. Inheritance: Autosomal dominant inheritance. Observed: 1 heterozygote.
Comment: PM2_supporting, PS4_supporting, PM1

University of Washington Center for Mendelian Genomics, University of Washington
Classification: Pathogenic for Arthrogryposis- oculomotor limitation-electroretinal anomalies syndrome. Last evaluated: 2014-06-04. Review status: no assertion criteria provided. Collection method: research. Allele origin: de novo. Affected: yes. Not counted in ClinVar's aggregate classification.

OMIM
Classification: Pathogenic for ARTHROGRYPOSIS, DISTAL, TYPE 5. Last evaluated: 2014-05-01. Review status: no assertion criteria provided. Collection method: literature only. Allele origin: germline. Not counted in ClinVar's aggregate classification.

Literature cited by the submitters: PubMed 24726473 (cited by University of Washington Center for Mendelian Genomics, University of Washington and OMIM).

NM_001378183.1(PIEZO2):c.8492G>C (p.Arg2831Pro)

Gene: PIEZO2 (piezo type mechanosensitive ion channel component 2; minus strand). Cytogenetic location: 18p11.22.
Variant type: single nucleotide variant.
Coding change: c.8492G>C on transcript NM_001378183.1 (MANE Select); coding-DNA position 8492, G replaced by C.
Protein change: p.Arg2831Pro; replaces arginine 2831 with proline.
Molecular consequence: missense variant.
Genome position (GRCh38, 1-based): chr18:10,671,633, C>G on the plus strand (G>C on the coding strand, the complement: PIEZO2 is on the minus strand). VCF-style: chr18-10671633-C-G. GRCh37 (hg19) VCF-style: chr18-10671630-C-G.
Other names: c.8153G>C, p.Arg2718Pro (NM_022068.4); short protein forms R2718P, R2831P.
Identifiers: ClinVar variation 137632 (VCV000137632.2), dbSNP rs587777452, ClinGen allele CA163198.